The following is an entry in ClinVar:

ClinVar aggregate classification (germline): Uncertain significance (1 of 4 stars; one submission).

Conditions:
Cardiovascular phenotype. Identifiers: MedGen CN230736.

Submission:

Ambry Genetics
Classification: Uncertain significance for Cardiovascular phenotype. Last evaluated: 2024-12-21. Review status: criteria provided, single submitter. Criteria: Ambry Variant Classification Scheme 2023. Collection method: clinical testing. Allele origin: germline.
Comment: The p.Q205H variant (also known as c.615G>C), located in coding exon 5 of the MYBPC3 gene, results from a G to C substitution at nucleotide position 615. The glutamine at codon 205 is replaced by histidine, an amino acid with highly similar properties. This amino acid position is conserved. In addition, this alteration is predicted to be tolerated by in silico analysis. Based on the available evidence, the clinical significance of this variant remains unclear.

NM_000256.3(MYBPC3):c.615G>C (p.Gln205His)

Gene: MYBPC3 (myosin binding protein C3; minus strand). Cytogenetic location: 11p11.2.
Variant type: single nucleotide variant.
Coding change: c.615G>C on transcript NM_000256.3 (MANE Select); coding-DNA position 615, G replaced by C.
Protein change: p.Gln205His; replaces glutamine 205 with histidine.
Molecular consequence: missense variant.
Genome position (GRCh38, 1-based): chr11:47,349,813, C>G on the plus strand (G>C on the coding strand, the complement: MYBPC3 is on the minus strand). VCF-style: chr11-47349813-C-G. GRCh37 (hg19) VCF-style: chr11-47371364-C-G.
Other names: short protein forms Q205H.
Identifiers: ClinVar variation 3876131 (VCV003876131.1).